The following is an entry in ClinVar:

ClinVar aggregate classification (germline): Uncertain significance (1 of 4 stars; one submission).

gnomAD v4.1: 2 of 1,613,600 alleles (0.00012%); highest among the groups gnomAD compares: Non-Finnish European, 0.00017%; no homozygotes.

Submission:

GeneDx
Classification: Uncertain significance. Last evaluated: 2025-08-11. Review status: criteria provided, single submitter. Criteria: GeneDx Variant Classification Process June 2021. Collection method: clinical testing. Allele origin: germline. Affected: yes.
Comment: Not observed at significant frequency in large population cohorts (gnomAD); In silico analysis supports that this missense variant has a deleterious effect on protein structure/function; Has not been previously published as pathogenic or benign to our knowledge

NM_001375524.1(TRRAP):c.9572C>T (p.Ser3191Leu)

Gene: TRRAP (transformation/transcription domain associated protein; plus strand). Cytogenetic location: 7q22.1.
Variant type: single nucleotide variant.
Coding change: c.9572C>T on transcript NM_001375524.1 (MANE Select); coding-DNA position 9572, C replaced by T.
Protein change: p.Ser3191Leu; replaces serine 3191 with leucine.
Molecular consequence: missense variant.
Genome position (GRCh38, 1-based): chr7:98,988,947, C>T. VCF-style: chr7-98988947-C-T. GRCh37 (hg19) VCF-style: chr7-98586570-C-T.
Other names: c.9584C>T, p.Ser3195Leu (NM_001244580.2); c.9497C>T, p.Ser3166Leu (NM_003496.4); short protein forms S3191L, S3166L, S3195L.
Identifiers: ClinVar variation 4795640 (VCV004795640.1).
Genomic context (GRCh38, chr7:98,988,947, plus strand): 5'-TGGGCGTGTCTGCCATCACCTGCTACCTGCACGCCTGCCGGCATCAGAACGAGAGCAAAT[C>T]GAGGAAATACTTAGCCAAGGTGAGACCGAAAAAACGAGCTTTGACCAGAGGCCATCTGTC-3'
Protein context (NP_001362453.1, residues 3181-3201): HACRHQNESK[Ser3191Leu]RKYLAKVLWL